The following is an entry in ClinVar:

ClinVar aggregate classification (germline): Uncertain significance. Review status: criteria provided, multiple submitters, no conflicts (2 of 4 stars). 2 submissions from 2 submitters: Uncertain significance (2). Last evaluated 2024-07-29.

gnomAD v4.1: 2 of 1,608,418 alleles (0.00012%); highest among the groups gnomAD compares: South Asian, 0.0011%; no homozygotes.

Submissions (2):

GeneDx
Classification: Uncertain significance. Last evaluated: 2024-07-29. Review status: criteria provided, single submitter. Criteria: GeneDx Variant Classification Process June 2021. Collection method: clinical testing. Allele origin: germline. Affected: yes.
Comment: Has not been previously published as pathogenic or benign to our knowledge; Not observed at significant frequency in large population cohorts (gnomAD); In silico analysis supports that this missense variant has a deleterious effect on protein structure/function

Labcorp Genetics (formerly Invitae), Labcorp
Classification: Uncertain significance. Last evaluated: 2021-12-12. Review status: criteria provided, single submitter. Criteria: Invitae Variant Classification Sherloc (09022015). Collection method: clinical testing. Allele origin: germline.
Comment: This sequence change replaces proline, which is neutral and non-polar, with alanine, which is neutral and non-polar, at codon 414 of the COL9A3 protein (p.Pro414Ala). In summary, the available evidence is currently insufficient to determine the role of this variant in disease. Therefore, it has been classified as a Variant of Uncertain Significance. Advanced modeling of protein sequence and biophysical properties (such as structural, functional, and spatial information, amino acid conservation, physicochemical variation, residue mobility, and thermodynamic stability) performed at Invitae indicates that this missense variant is not expected to disrupt COL9A3 protein function. ClinVar contains an entry for this variant (Variation ID: 1195120). This variant has not been reported in the literature in individuals affected with COL9A3-related conditions. This variant is present in population databases (no rsID available, gnomAD 0.001%).

NM_001853.4(COL9A3):c.1240C>G (p.Pro414Ala)

Gene: COL9A3 (collagen type IX alpha 3 chain; plus strand). Cytogenetic location: 20q13.33.
Variant type: single nucleotide variant.
Coding change: c.1240C>G on transcript NM_001853.4 (MANE Select); coding-DNA position 1240, C replaced by G.
Protein change: p.Pro414Ala; replaces proline 414 with alanine.
Molecular consequence: missense variant.
Genome position (GRCh38, 1-based): chr20:62,830,541, C>G. VCF-style: chr20-62830541-C-G. GRCh37 (hg19) VCF-style: chr20-61461893-C-G.
Other names: short protein forms P414A.
Identifiers: ClinVar variation 1195120 (VCV001195120.8), dbSNP rs543868483, ClinGen allele CA317334941.